The following is an entry in ClinVar:

ClinVar aggregate classification (germline): Likely benign. Review status: criteria provided, multiple submitters, no conflicts (2 of 4 stars). 5 submissions from 5 submitters: Likely benign (4). 1 of the submissions does not count toward it. Last evaluated 2025-12-26.

Conditions:
CLTC-related disorder. Also called: CLTC-related condition.

Allele frequency attached by ClinVar (database versions not stated): gnomAD exomes 0.00015; gnomAD 0.00017; ExAC 0.00024.
gnomAD v4.1: 261 of 1,604,054 alleles (0.016%); highest among the groups gnomAD compares: Middle Eastern, 0.12%; no homozygotes.

Submissions (5):

Labcorp Genetics (formerly Invitae), Labcorp
Classification: Likely benign. Last evaluated: 2025-12-26. Review status: criteria provided, single submitter. Criteria: Invitae Variant Classification Sherloc (09022015). Collection method: clinical testing. Allele origin: germline.

Women's Health and Genetics/Laboratory Corporation of America, LabCorp
Classification: Likely benign. Last evaluated: 2025-06-16. Review status: criteria provided, single submitter. Criteria: LabCorp Variant Classification Summary - May 2015. Collection method: clinical testing. Allele origin: germline.

Blueprint Genetics
Classification: Likely benign. Last evaluated: 2024-11-17. Review status: criteria provided, single submitter. Criteria: ACMG Guidelines, 2015. Collection method: clinical testing. Allele origin: germline.

CeGaT Center for Human Genetics Tuebingen
Classification: Likely benign. Last evaluated: 2022-07-01. Review status: criteria provided, single submitter. Criteria: CeGaT Center For Human Genetics Tuebingen Variant Classification Criteria Version 2. Collection method: clinical testing. Allele origin: germline. Affected: yes. Observed: 1 variant allele.
Comment: CLTC: BP4

PreventionGenetics, part of Exact Sciences
Classification: Likely benign for CLTC-related condition. Last evaluated: 2019-09-17. Review status: no assertion criteria provided. Collection method: clinical testing. Allele origin: germline. Not counted in ClinVar's aggregate classification.
Comment: This variant is classified as likely benign based on ACMG/AMP sequence variant interpretation guidelines (Richards et al. 2015 PMID: 25741868, with internal and published modifications).

NM_004859.4(CLTC):c.2562-5C>T

Gene: CLTC (clathrin heavy chain; plus strand). Cytogenetic location: 17q23.1.
Variant type: single nucleotide variant.
Coding change: c.2562-5C>T on transcript NM_004859.4 (MANE Select); 5 bases into the intron before coding-DNA position 2562, C replaced by T.
Molecular consequence: intron variant.
Genome position (GRCh38, 1-based): chr17:59,676,949, C>T. VCF-style: chr17-59676949-C-T. GRCh37 (hg19) VCF-style: chr17-57754310-C-T.
Other names: c.2574-5C>T (NM_001288653.2, NM_001288653.1).
Identifiers: ClinVar variation 1630547 (VCV001630547.35), dbSNP rs200170084, ClinGen allele CA8681431.